The following is an entry in ClinVar:

ClinVar aggregate classification (germline): Uncertain significance. Review status: criteria provided, multiple submitters, no conflicts (2 of 4 stars). 2 submissions from 2 submitters: Uncertain significance (2). Last evaluated 2025-11-11.

Conditions:
Autoimmune lymphoproliferative syndrome type 2A (ALPS2A). Also called: Autoimmune lymphoproliferative syndrome type 2; CASP10-Related Autoimmune Lymphoproliferative Syndrome; AUTOIMMUNE LYMPHOPROLIFERATIVE SYNDROME, TYPE IIA. Identifiers: Orphanet 3261, MedGen C1858968, MONDO:0011383, OMIM 603909.

Allele frequency attached by ClinVar (database versions not stated): gnomAD exomes below 0.00001; gnomAD 0.00001.
gnomAD v4.1: 7 of 1,611,494 alleles (0.00043%); highest among the groups gnomAD compares: African/African-American, 0.0053%; no homozygotes.

Submissions (2):

Labcorp Genetics (formerly Invitae), Labcorp
Classification: Uncertain significance for Autoimmune lymphoproliferative syndrome type 2A. Last evaluated: 2025-11-11. Review status: criteria provided, single submitter. Criteria: Invitae Variant Classification Sherloc (09022015). Collection method: clinical testing. Allele origin: germline.
Comment: This sequence change replaces alanine, which is neutral and non-polar, with valine, which is neutral and non-polar, at codon 248 of the CASP10 protein (p.Ala248Val). This variant is present in population databases (no rsID available, gnomAD 0.0008%). This variant has not been reported in the literature in individuals affected with CASP10-related conditions. ClinVar contains an entry for this variant (Variation ID: 1923172). An algorithm developed to predict the effect of missense changes on protein structure and function (PolyPhen-2) suggests that this variant is likely to be tolerated. In summary, the available evidence is currently insufficient to determine the role of this variant in disease. Therefore, it has been classified as a Variant of Uncertain Significance.

Ambry Genetics
Classification: Uncertain significance. Last evaluated: 2021-06-23. Review status: criteria provided, single submitter. Criteria: Ambry Variant Classification Scheme 2023. Collection method: clinical testing. Allele origin: germline.

NM_032977.4(CASP10):c.743C>T (p.Ala248Val)

Gene: CASP10 (caspase 10; plus strand). Cytogenetic location: 2q33.1.
Variant type: single nucleotide variant.
Coding change: c.743C>T on transcript NM_032977.4 (MANE Select); coding-DNA position 743, C replaced by T.
Protein change: p.Ala248Val; replaces alanine 248 with valine.
Molecular consequence: missense variant. On other transcripts: intron variant (4).
Genome position (GRCh38, 1-based): chr2:201,205,903, C>T. VCF-style: chr2-201205903-C-T. GRCh37 (hg19) VCF-style: chr2-202070626-C-T.
Other names: c.743C>T, p.Ala248Val (NM_032974.5); c.685-2172C>T (NM_001206542.2, NM_001230.5); c.721+2137C>T (NM_032976.4, NM_001206524.2); short protein forms A248V.
Identifiers: ClinVar variation 1923172 (VCV001923172.6), dbSNP rs1287854907, ClinGen allele CA350283816.